The following is an entry in ClinVar:

NM_006922.4(SCN3A):c.5302G>A (p.Ala1768Thr)

Gene: SCN3A (sodium voltage-gated channel alpha subunit 3; minus strand). Cytogenetic location: 2q24.3.
Variant type: single nucleotide variant.
Coding change: c.5302G>A on transcript NM_006922.4 (MANE Select); coding-DNA position 5302, G replaced by A.
Protein change: p.Ala1768Thr; replaces alanine 1768 with threonine.
Molecular consequence: missense variant.
Genome position (GRCh38, 1-based): chr2:165,090,851, C>T on the plus strand (G>A on the coding strand, the complement: SCN3A is on the minus strand). VCF-style: chr2-165090851-C-T. GRCh37 (hg19) VCF-style: chr2-165947361-C-T.
Other names: c.5155G>A, p.Ala1719Thr (NM_001081676.2, NM_001081677.2); short protein forms A1719T, A1768T.
Identifiers: ClinVar variation 1312696 (VCV001312696.2), dbSNP rs1323737106, ClinGen allele CA349016051.
Genomic context (GRCh38, chr2:165,090,851, plus strand): 5'-CCTCACTCAGGGGCTCTGCACTTTCTTCAGTAGCAACACTGAAGTTCTCCAGGATGACCG[C>T]GATGTACATGTTCACCACAACCAGGAAGGATATGATGATGTAACTGACAAAAAAGAAAAT-3'
Protein context (NP_008853.3, residues 1758-1778): SFLVVVNMYI[Ala1768Thr]VILENFSVAT

ClinVar aggregate classification (germline): Uncertain significance (1 of 4 stars; one submission).

Allele frequency attached by ClinVar (database versions not stated): gnomAD exomes below 0.00001.

Submission:

GeneDx
Classification: Uncertain significance. Last evaluated: 2020-06-16. Review status: criteria provided, single submitter. Criteria: GeneDx Variant Classification Process June 2021. Collection method: clinical testing. Allele origin: germline. Affected: yes.
Comment: Not observed at a significant frequency in large population cohorts (Lek et al., 2016); In silico analysis supports that this missense variant has a deleterious effect on protein structure/function; Has not been previously published as pathogenic or benign to our knowledge